The following is an entry in ClinVar:

ClinVar aggregate classification (germline): Uncertain significance (1 of 4 stars; one submission).

Allele frequency attached by ClinVar (database versions not stated): ExAC 0.00002; TOPMed 0.00003; gnomAD 0.00004.
gnomAD v4.1: 16 of 1,613,878 alleles (0.00099%); highest among the groups gnomAD compares: East Asian, 0.0045%; no homozygotes.

Submission:

Labcorp Genetics (formerly Invitae), Labcorp
Classification: Uncertain significance. Last evaluated: 2024-12-13. Review status: criteria provided, single submitter. Criteria: Invitae Variant Classification Sherloc (09022015). Collection method: clinical testing. Allele origin: germline.
Comment: This sequence change replaces alanine, which is neutral and non-polar, with threonine, which is neutral and polar, at codon 1282 of the TTC37 protein (p.Ala1282Thr). This variant is present in population databases (rs758043205, gnomAD 0.02%). This variant has not been reported in the literature in individuals affected with TTC37-related conditions. ClinVar contains an entry for this variant (Variation ID: 2162689). An algorithm developed to predict the effect of missense changes on protein structure and function (PolyPhen-2) suggests that this variant¬†is likely to be tolerated. In summary, the available evidence is currently insufficient to determine the role of this variant in disease. Therefore, it has been classified as a Variant of Uncertain Significance.

NM_014639.4(SKIC3):c.3844G>A (p.Ala1282Thr)

Gene: SKIC3 (SKI3 subunit of superkiller complex; minus strand). Cytogenetic location: 5q15.
Variant type: single nucleotide variant.
Coding change: c.3844G>A on transcript NM_014639.4 (MANE Select); coding-DNA position 3844, G replaced by A.
Protein change: p.Ala1282Thr; replaces alanine 1282 with threonine.
Molecular consequence: missense variant.
Genome position (GRCh38, 1-based): chr5:95,490,995, C>T on the plus strand (G>A on the coding strand, the complement: SKIC3 is on the minus strand). VCF-style: chr5-95490995-C-T. GRCh37 (hg19) VCF-style: chr5-94826699-C-T.
Other names: short protein forms A1282T.
Identifiers: ClinVar variation 2162689 (VCV002162689.2), dbSNP rs758043205, ClinGen allele CA3346575.